The following is an entry in ClinVar:

NM_001386094.1(AGBL1):c.1102C>G (p.Leu368Val)

Gene: AGBL1 (AGBL carboxypeptidase 1; plus strand). Cytogenetic location: 15q25.3.
Variant type: single nucleotide variant.
Coding change: c.1102C>G on transcript NM_001386094.1 (MANE Select); coding-DNA position 1102, C replaced by G.
Protein change: p.Leu368Val; replaces leucine 368 with valine.
Molecular consequence: missense variant.
Genome position (GRCh38, 1-based): chr15:86,264,273, C>G. VCF-style: chr15-86264273-C-G. GRCh37 (hg19) VCF-style: chr15-86807504-C-G.
Other names: c.1102C>G, p.Leu368Val (NM_152336.4); short protein forms L368V.
Identifiers: ClinVar variation 3041689 (VCV003041689.3), dbSNP rs201130765, ClinGen allele CA7715635.

ClinVar aggregate classification (germline): Likely benign. Review status: criteria provided, single submitter (1 of 4 stars). 2 submissions from 2 submitters: Likely benign (1). 1 of the submissions does not count toward it. Last evaluated 2024-11-26.

Conditions:
AGBL1-related disorder. Also called: AGBL1-related condition.

Allele frequency attached by ClinVar (database versions not stated): 1000 Genomes Project 30x 0.00031; 1000 Genomes Project 0.00040; gnomAD 0.00115; ESP Exome Variant Server 0.00193.
gnomAD v4.1: 2,160 of 1,598,794 alleles (0.14%); highest among the groups gnomAD compares: Non-Finnish European, 0.16%; 2 homozygotes.

Submissions (2):

Blueprint Genetics
Classification: Likely benign. Last evaluated: 2024-11-26. Review status: criteria provided, single submitter. Criteria: ACMG Guidelines, 2015. Collection method: clinical testing. Allele origin: germline.

PreventionGenetics, part of Exact Sciences
Classification: Likely benign for AGBL1-related condition. Last evaluated: 2019-06-12. Review status: no assertion criteria provided. Collection method: clinical testing. Allele origin: germline. Not counted in ClinVar's aggregate classification.
Comment: This variant is classified as likely benign based on ACMG/AMP sequence variant interpretation guidelines (Richards et al. 2015 PMID: 25741868, with internal and published modifications).